The following is an entry in ClinVar:

NM_001040142.2(SCN2A):c.2351C>T (p.Thr784Met)

Gene: SCN2A (sodium voltage-gated channel alpha subunit 2; plus strand). Cytogenetic location: 2q24.3.
Variant type: single nucleotide variant.
Coding change: c.2351C>T on transcript NM_001040142.2 (MANE Select); coding-DNA position 2351, C replaced by T.
Protein change: p.Thr784Met; replaces threonine 784 with methionine.
Molecular consequence: missense variant.
Genome position (GRCh38, 1-based): chr2:165,331,531, C>T. VCF-style: chr2-165331531-C-T. GRCh37 (hg19) VCF-style: chr2-166188041-C-T.
Other names: c.2351C>T, p.Thr784Met (NM_001040143.2, NM_001371246.1, NM_001371247.1 and 1 more transcripts); short protein forms T784M.
Identifiers: ClinVar variation 1024996 (VCV001024996.15), dbSNP rs758872788, ClinGen allele CA1939960.
Genomic context (GRCh38, chr2:165,331,531, plus strand): 5'-CCATCACCATCTGCATTGTCTTAAATACACTCTTCATGGCTATGGAGCACTATCCCATGA[C>T]GGAGCAGTTCAGCAGTGTACTGTCTGTTGGAAACCTGGTAAGCCTCACTGAGAGTTTCTC-3'
Protein context (NP_001035232.1, residues 774-794): LFMAMEHYPM[Thr784Met]EQFSSVLSVG

ClinVar aggregate classification (germline): Uncertain significance. Review status: criteria provided, multiple submitters, no conflicts (2 of 4 stars). 5 submissions from 5 submitters: Uncertain significance (5). Last evaluated 2026-02-24.

Conditions:
Seizures, benign familial infantile, 3 (BFIS3). Also called: CONVULSIONS, BENIGN FAMILIAL INFANTILE, 3; Familial neonatal seizures. Identifiers: Orphanet 140927, Orphanet 306, MedGen C1843140, MONDO:0011904, OMIM 607745.
Developmental and epileptic encephalopathy, 11 (DEE11). Also called: Early infantile epileptic encephalopathy 11. Identifiers: Orphanet 1934, MedGen C3150987, MONDO:0013388, OMIM 613721.
Complex neurodevelopmental disorder. Identifiers: Orphanet 528084, MedGen C5568766, MONDO:0100038.

Allele frequency attached by ClinVar (database versions not stated): TOPMed 0.00001; gnomAD exomes below 0.00001; ExAC 0.00001.
gnomAD v4.1: 4 of 1,613,616 alleles (0.00025%); highest among the groups gnomAD compares: South Asian, 0.0011%; no homozygotes.

Submissions (5):

GeneDx
Classification: Uncertain significance. Last evaluated: 2026-02-24. Review status: criteria provided, single submitter. Criteria: GeneDx Variant Classification Process June 2021. Collection method: clinical testing. Allele origin: germline.
Comment: Reported in a patient with a neurodevelopmental disorder; however, detailed clinical information and segregation information were not provided (PMID: 28191889); In silico analysis supports that this missense variant has a deleterious effect on protein structure/function; This substitution is predicted to be within the extracellular loop between the S1 and S2 transmembrane segments of the second homologous domain; Not observed at significant frequency in large population cohorts (gnomAD); This variant is associated with the following publications: (PMID: 28191889, 33004838)

Victorian Clinical Genetics Services, Murdoch Childrens Research Institute
Classification: Uncertain significance for Complex neurodevelopmental disorder. Last evaluated: 2025-07-14. Review status: criteria provided, single submitter. Criteria: ACMG Guidelines, 2015. Collection method: clinical testing. Allele origin: germline. Affected: yes.
Comment: This variant is classified as VUS-3A. Evidence in support of pathogenic classification: Variant is present in gnomAD <0.001 for a dominant condition (v4: 4 heterozygote(s), 0 homozygote(s)); Missense variant predicted to be damaging by in silico tool(s) or highly conserved with a major amino acid change; Additional information: Variant is predicted to result in a missense amino acid change from Thr to Met; This variant is heterozygous; This gene is associated with autosomal dominant disease; Previous evidence of pathogenicity for this variant is inconclusive. This variant has been classified as a VUS by clinical laboratories in ClinVar, and reported in the literature in one individual from a neurodevelopmental disorder cohort (PMID: 28191889); No published evidence of segregation with disease has been identified for this variant; No published functional evidence has been identified for this variant; No comparable missense variants have previous evidence for pathogenicity; Variant is located in the annotated ion transport protein domain (DECIPHER); Loss of function and gain of function are known mechanisms of disease in this gene. Variants causing a gain of function result in developmental and epileptic encephalopathy 11 (MIM#613721) or benign familial infantile seizures 3 (MIM#607745), whereas variants causing loss of function result in autism spectrum disorder and/or intellectual disability, with or without childhood-onset seizures (OMIM, PMIDs: 29691040, 31904126); Variants in this gene are known to have variable expressivity (OMIM).

Women's Health and Genetics/Laboratory Corporation of America, LabCorp
Classification: Uncertain significance. Last evaluated: 2024-06-06. Review status: criteria provided, single submitter. Criteria: LabCorp Variant Classification Summary - May 2015. Collection method: clinical testing. Allele origin: germline.
Comment: Variant summary: SCN2A c.2351C>T (p.Thr784Met) results in a non-conservative amino acid change located in the ion transport domain (IPR005821) of the encoded protein sequence. Five of five in-silico tools predict a damaging effect of the variant on protein function. The variant allele was found at a frequency of 4e-06 in 251040 control chromosomes (gnomAD). The available data on variant occurrences in the general population are insufficient to allow any conclusion about variant significance. c.2351C>T has been reported in the literature in individuals affected with neurodevelopmental disorders (example: Wang_2020, Stessman_2017). However, these report(s) do not provide unequivocal conclusions about association of the variant with Early Infantile Epileptic Encephalopathy 11. To our knowledge, no experimental evidence demonstrating an impact on protein function has been reported. The following publications have been ascertained in the context of this evaluation (PMID: 33004838, 28191889). ClinVar contains an entry for this variant (Variation ID: 1024996). Based on the evidence outlined above, the variant was classified as uncertain significance.

Labcorp Genetics (formerly Invitae), Labcorp
Classification: Uncertain significance for Seizures, benign familial infantile, 3; Developmental and epileptic encephalopathy, 11. Last evaluated: 2024-02-17. Review status: criteria provided, single submitter. Criteria: Invitae Variant Classification Sherloc (09022015). Collection method: clinical testing. Allele origin: germline.
Comment: This sequence change replaces threonine, which is neutral and polar, with methionine, which is neutral and non-polar, at codon 784 of the SCN2A protein (p.Thr784Met). This variant is present in population databases (rs758872788, gnomAD 0.007%). This missense change has been observed in individual(s) with neurodevelopmental disorders (PMID: 28191889, 33004838). ClinVar contains an entry for this variant (Variation ID: 1024996). Advanced modeling of protein sequence and biophysical properties (such as structural, functional, and spatial information, amino acid conservation, physicochemical variation, residue mobility, and thermodynamic stability) performed at Invitae indicates that this missense variant is expected to disrupt SCN2A protein function with a positive predictive value of 95%. In summary, the available evidence is currently insufficient to determine the role of this variant in disease. Therefore, it has been classified as a Variant of Uncertain Significance.

Athena Diagnostics
Classification: Uncertain significance. Last evaluated: 2021-03-16. Review status: criteria provided, single submitter. Criteria: Athena Diagnostics criteria. Collection method: clinical testing. Allele origin: unknown.

Literature cited by the submitters: PubMed 31904126 (cited by Victorian Clinical Genetics Services, Murdoch Childrens Research Institute); PubMed 28191889 (cited by 3 submitters); PubMed 29691040 (cited by Victorian Clinical Genetics Services, Murdoch Childrens Research Institute); PubMed 33004838 (cited by Women's Health and Genetics/Laboratory Corporation of America, LabCorp and Labcorp Genetics (formerly Invitae), Labcorp).